The following is an entry in ClinVar:

ClinVar aggregate classification (germline): Uncertain significance (1 of 4 stars; one submission).

Conditions:
Brody myopathy. Also called: BRODY DISEASE. Identifiers: Orphanet 53347, MedGen C1832918, MONDO:0010977, OMIM 601003.

Allele frequency attached by ClinVar (database versions not stated): gnomAD exomes 0.00001 and 0.00003; ExAC 0.00002.

Submission:

Labcorp Genetics (formerly Invitae), Labcorp
Classification: Uncertain significance for Brody myopathy. Last evaluated: 2022-09-07. Review status: criteria provided, single submitter. Criteria: Invitae Variant Classification Sherloc (09022015). Collection method: clinical testing. Allele origin: germline.
Comment: Algorithms developed to predict the effect of missense changes on protein structure and function are either unavailable or do not agree on the potential impact of this missense change (SIFT: "Deleterious"; PolyPhen-2: "Probably Damaging"; Align-GVGD: "Class C0"). ClinVar contains an entry for this variant (Variation ID: 1503806). This variant has not been reported in the literature in individuals affected with ATP2A1-related conditions. This variant is present in population databases (rs762501478, gnomAD 0.002%). This sequence change replaces glutamic acid, which is acidic and polar, with lysine, which is basic and polar, at codon 40 of the ATP2A1 protein (p.Glu40Lys). This variant also falls at the last nucleotide of exon 1, which is part of the consensus splice site for this exon. Variants that disrupt the consensus splice site are a relatively common cause of aberrant splicing (PMID: 17576681, 9536098). Algorithms developed to predict the effect of sequence changes on RNA splicing suggest that this variant may create or strengthen a splice site. In summary, the available evidence is currently insufficient to determine the role of this variant in disease. Therefore, it has been classified as a Variant of Uncertain Significance.

Literature cited by the submitters: PubMed 17576681; PubMed 9536098.

NM_004320.6(ATP2A1):c.118G>A (p.Glu40Lys)

Gene: ATP2A1 (ATPase sarcoplasmic/endoplasmic reticulum Ca2+ transporting 1; plus strand). Cytogenetic location: 16p11.2.
Variant type: single nucleotide variant.
Coding change: c.118G>A on transcript NM_004320.6 (MANE Select); coding-DNA position 118, G replaced by A.
Protein change: p.Glu40Lys; replaces glutamic acid 40 with lysine.
Molecular consequence: missense variant.
Genome position (GRCh38, 1-based): chr16:28,878,789, G>A. VCF-style: chr16-28878789-G-A. GRCh37 (hg19) VCF-style: chr16-28890110-G-A.
Other names: c.118G>A, p.Glu40Lys (NM_173201.5); short protein forms E40K.
Identifiers: ClinVar variation 1503806 (VCV001503806.7), dbSNP rs762501478, ClinGen allele CA7986491.